The following is an entry in ClinVar:

ClinVar aggregate classification (germline): Uncertain significance (1 of 4 stars; one submission).

gnomAD v4.1: 15 of 1,612,428 alleles (0.00093%); highest among the groups gnomAD compares: Non-Finnish European, 0.0012%; no homozygotes.

Submission:

Labcorp Genetics (formerly Invitae), Labcorp
Classification: Uncertain significance. Last evaluated: 2025-03-17. Review status: criteria provided, single submitter. Criteria: Invitae Variant Classification Sherloc (09022015). Collection method: clinical testing. Allele origin: germline.
Comment: This sequence change falls in intron 21 of the DHX38 gene. It does not directly change the encoded amino acid sequence of the DHX38 protein. It affects a nucleotide within the consensus splice site. This variant is present in population databases (rs767227558, gnomAD 0.0009%). This variant has not been reported in the literature in individuals affected with DHX38-related conditions. ClinVar contains an entry for this variant (Variation ID: 2910762). Variants that disrupt the consensus splice site are a relatively common cause of aberrant splicing (PMID: 17576681, 9536098). Algorithms developed to predict the effect of sequence changes on RNA splicing suggest that this variant is not likely to affect RNA splicing. In summary, the available evidence is currently insufficient to determine the role of this variant in disease. Therefore, it has been classified as a Variant of Uncertain Significance.

Literature cited by the submitters: PubMed 17576681; PubMed 9536098.

NM_014003.4(DHX38):c.2964+3G>A

Genes: DHX38 (DEAH-box helicase 38; plus strand), LOC126862391 (CDK7 strongly-dependent group 2 enhancer GRCh37_chr16:72141414-72142613; plus strand). Cytogenetic location: 16q22.2.
Variant type: single nucleotide variant.
Coding change: c.2964+3G>A on transcript NM_014003.4 (MANE Select); 3 bases into the intron after coding-DNA position 2964, G replaced by A.
Molecular consequence: intron variant.
Genome position (GRCh38, 1-based): chr16:72,107,802, G>A. VCF-style: chr16-72107802-G-A. GRCh37 (hg19) VCF-style: chr16-72141701-G-A.
Identifiers: ClinVar variation 2910762 (VCV002910762.3), dbSNP rs767227558, ClinGen allele CA8160818.